The following is an entry in ClinVar:

NM_001319074.4(RAX2):c.45T>G (p.Gly15=)

Gene: RAX2 (retina and anterior neural fold homeobox 2; minus strand). Cytogenetic location: 19p13.3.
Variant type: single nucleotide variant.
Coding change: c.45T>G on transcript NM_001319074.4 (MANE Select); coding-DNA position 45, T replaced by G.
Protein change: p.Gly15=; no amino-acid change (glycine 15 retained).
Molecular consequence: synonymous variant.
Genome position (GRCh38, 1-based): chr19:3,771,698, A>C on the plus strand (T>G on the coding strand, the complement: RAX2 is on the minus strand). VCF-style: chr19-3771698-A-C. GRCh37 (hg19) VCF-style: chr19-3771696-A-C.
Other names: c.45T>G, p.Gly15= (NM_032753.4).
Identifiers: ClinVar variation 195392 (VCV000195392.42), dbSNP rs139127905, ClinGen allele CA201718.

ClinVar aggregate classification (germline): Benign. Review status: criteria provided, multiple submitters, no conflicts (2 of 4 stars). 9 submissions from 8 submitters: Benign (7). 2 of the submissions do not count toward it. Last evaluated 2026-03-01.

Conditions:
Age related macular degeneration 6. Identifiers: MedGen C3151060, MONDO:0013406, OMIM 613757.
Cone-rod dystrophy 11 (CORD11). Identifiers: Orphanet 1872, MedGen C1835865, MONDO:0012483, OMIM 610381.

Allele frequency attached by ClinVar (database versions not stated): gnomAD exomes 0.00679 and 0.00598; ExAC 0.00705; 1000 Genomes Project 30x 0.00359; 1000 Genomes Project 0.00379; TOPMed 0.00427; gnomAD 0.00435 and 0.00450; ESP Exome Variant Server 0.00546.

Submissions (9):

CeGaT Center for Human Genetics Tuebingen
Classification: Benign. Last evaluated: 2026-03-01. Review status: criteria provided, single submitter. Criteria: CeGaT Center For Human Genetics Tuebingen Variant Classification Criteria Version 2. Collection method: clinical testing. Allele origin: germline. Affected: yes. Observed: 5 variant alleles.
Comment: RAX2: BP4, BP7, BS1, BS2

Labcorp Genetics (formerly Invitae), Labcorp
Classification: Benign. Last evaluated: 2026-02-01. Review status: criteria provided, single submitter. Criteria: Invitae Variant Classification Sherloc (09022015). Collection method: clinical testing. Allele origin: germline.

GeneDx
Classification: Benign. Last evaluated: 2018-09-05. Review status: criteria provided, single submitter. Criteria: GeneDx Variant Classification Process June 2021. Collection method: clinical testing. Allele origin: germline. Affected: yes.

Illumina Laboratory Services, Illumina
Classification: Benign for Age related macular degeneration 6. Last evaluated: 2018-01-13. Review status: criteria provided, single submitter. Criteria: ICSL Variant Classification Criteria 13 December 2019. Collection method: clinical testing. Allele origin: germline.
Comment: This variant was observed in the ICSL laboratory as part of a predisposition screen in an ostensibly healthy population. It had not been previously curated by ICSL or reported in the Human Gene Mutation Database (HGMD: prior to June 1st, 2018), and was therefore a candidate for classification through an automated scoring system. Utilizing variant allele frequency, disease prevalence and penetrance estimates, and inheritance mode, an automated score was calculated to assess if this variant is too frequent to cause the disease. Based on the score and internal cut-off values, a variant classified as benign is not then subjected to further curation. The score for this variant resulted in a classification of benign for this disease.

Illumina Laboratory Services, Illumina
Classification: Benign for Cone-rod dystrophy 11. Last evaluated: 2018-01-13. Review status: criteria provided, single submitter. Criteria: ICSL Variant Classification Criteria 13 December 2019. Collection method: clinical testing. Allele origin: germline.
Comment: the same text as in the submission from Illumina Laboratory Services, Illumina above.

Eurofins Ntd Llc (ga)
Classification: Benign. Last evaluated: 2015-02-16. Review status: criteria provided, single submitter. Criteria: EGL Classification Definitions 2015. Collection method: clinical testing. Allele origin: germline. Observed: 1 variant allele, 1 heterozygote.

Breakthrough Genomics
Classification: Benign. Review status: criteria provided, single submitter. Criteria: ACMG Guidelines, 2015. Collection method: not provided. Allele origin: germline. Inheritance: Autosomal recessive inheritance. Affected: yes.

Clinical Genetics DNA and cytogenetics Diagnostics Lab, Erasmus MC, Erasmus Medical Center
Classification: Likely benign. Review status: no assertion criteria provided. Collection method: clinical testing. Allele origin: germline. Affected: yes. Study: VKGL Data-share Consensus. Not counted in ClinVar's aggregate classification.

Clinical Genetics, Academic Medical Center
Classification: Benign. Review status: no assertion criteria provided. Collection method: clinical testing. Allele origin: germline. Affected: yes. Study: VKGL Data-share Consensus. Not counted in ClinVar's aggregate classification.